The following is an entry in ClinVar:

ClinVar aggregate classification (germline): Pathogenic (1 of 4 stars; one submission).

Conditions:
Brown-Vialetto-van Laere syndrome 2. Also called: Riboflavin transporter deficiency type 2; SPINOCEREBELLAR ATAXIA WITH BLINDNESS AND DEAFNESS 2. Identifiers: Orphanet 572543, Orphanet 97229, MedGen C3553538, MONDO:0013867, OMIM 614707.

Allele frequency attached by ClinVar (database versions not stated): gnomAD 0.00001.

Submission:

Labcorp Genetics (formerly Invitae), Labcorp
Classification: Pathogenic for Brown-Vialetto-van Laere syndrome 2. Last evaluated: 2022-11-07. Review status: criteria provided, single submitter. Criteria: Invitae Variant Classification Sherloc (09022015). Collection method: clinical testing. Allele origin: germline.
Comment: For these reasons, this variant has been classified as Pathogenic. This variant disrupts a region of the SLC52A2 protein in which other variant(s) (p.Ala420Thr) have been determined to be pathogenic (PMID: 24253200; Invitae). This suggests that this is a clinically significant region of the protein, and that variants that disrupt it are likely to be disease-causing. ClinVar contains an entry for this variant (Variation ID: 572260). This variant has not been reported in the literature in individuals affected with SLC52A2-related conditions. This variant is not present in population databases (gnomAD no frequency). This sequence change creates a premature translational stop signal (p.Leu365Argfs*25) in the SLC52A2 gene. While this is not anticipated to result in nonsense mediated decay, it is expected to disrupt the last 81 amino acid(s) of the SLC52A2 protein.

Literature cited by the submitters: PubMed 24253200.

NM_001363118.2(SLC52A2):c.1094del (p.Leu365fs)

Gene: SLC52A2 (solute carrier family 52 member 2; plus strand). Cytogenetic location: 8q24.3.
Variant type: Deletion.
Coding change: c.1094del on transcript NM_001363118.2 (MANE Select); coding-DNA position 1094, one base deleted (T; older notation c.1094delT).
Protein change: p.Leu365fs; shifts the reading frame from leucine 365.
Molecular consequence: frameshift variant. On other transcripts: non-coding transcript variant (1).
Genome position (GRCh38, 1-based): chr8:144,360,682, T deleted. VCF-style (leftmost placement, unchanged base first): chr8-144360681-CT-C. GRCh37 (hg19) VCF-style: chr8-145584341-CT-C.
Other names: c.1094del, p.Leu365fs (NM_001253815.2, NM_001253816.2, NM_001363120.2 and 2 more transcripts); c.602del, p.Leu201fs (NM_001363122.2); short protein forms L365fs, L201fs.
Identifiers: ClinVar variation 572260 (VCV000572260.7), dbSNP rs1564657463, ClinGen allele CA891842709.